The following is an entry in ClinVar:

ClinVar aggregate classification (germline): Uncertain significance. Review status: criteria provided, single submitter (1 of 4 stars). 2 submissions from 2 submitters: Uncertain significance (1). 1 of the submissions does not count toward it. Last evaluated 2023-09-28.

Conditions:
ALMS1-related disorder. Also called: ALMS1-related condition.
Alstrom syndrome (ALMS). Identifiers: Orphanet 64, MedGen C0268425, MONDO:0008763, OMIM 203800.

Allele frequency attached by ClinVar (database versions not stated): gnomAD exomes below 0.00001; ExAC 0.00002.
gnomAD v4.1: 7 of 1,614,044 alleles (0.00043%); highest among the groups gnomAD compares: South Asian, 0.0066%; no homozygotes.

Submissions (2):

PreventionGenetics, part of Exact Sciences
Classification: Uncertain significance for ALMS1-related condition. Last evaluated: 2023-09-28. Review status: criteria provided, single submitter. Criteria: ACMG Guidelines, 2015. Collection method: clinical testing. Allele origin: germline.
Comment: The ALMS1 c.6638C>T variant is predicted to result in the amino acid substitution p.Ser2213Phe. To our knowledge, this variant has not been reported in the literature or in a large population database, indicating this variant is rare. At this time, the clinical significance of this variant is uncertain due to the absence of conclusive functional and genetic evidence.

Natera, Inc.
Classification: Uncertain significance for Alstrom syndrome. Last evaluated: 2025-02-17. Review status: no assertion criteria provided. Collection method: clinical testing. Allele origin: germline. Not counted in ClinVar's aggregate classification.

NM_001378454.1(ALMS1):c.6635C>T (p.Ser2212Phe)

Gene: ALMS1 (ALMS1 centrosome and basal body associated protein; plus strand). Cytogenetic location: 2p13.1.
Variant type: single nucleotide variant.
Coding change: c.6635C>T on transcript NM_001378454.1 (MANE Select); coding-DNA position 6635, C replaced by T.
Protein change: p.Ser2212Phe; replaces serine 2212 with phenylalanine.
Molecular consequence: missense variant.
Genome position (GRCh38, 1-based): chr2:73,453,162, C>T. VCF-style: chr2-73453162-C-T. GRCh37 (hg19) VCF-style: chr2-73680289-C-T.
Other names: c.6638C>T, p.Ser2213Phe (NM_015120.4); short protein forms S2212F, S2213F.
Identifiers: ClinVar variation 2635617 (VCV002635617.2), dbSNP rs769480882, ClinGen allele CA1714098.
Genomic context (GRCh38, chr2:73,453,162, plus strand): 5'-GTGAGAATCACAAGCTTGTTTCAGAACATGTCCAAAGGCTAATAGATAATTTGAATTCTT[C>T]TGACTCCAGTGTTAGCTCAAATAATGTGCTTTTAAATTCTCAGGCTGATGACAGAGTTGT-3'
Protein context (NP_001365383.1, residues 2202-2222): VQRLIDNLNS[Ser2212Phe]DSSVSSNNVL